The following is an entry in ClinVar:

NM_020297.4(ABCC9):c.2557G>A (p.Glu853Lys)

Gene: ABCC9 (ATP binding cassette subfamily C member 9; minus strand). Cytogenetic location: 12p12.1.
Variant type: single nucleotide variant.
Coding change: c.2557G>A on transcript NM_020297.4 (MANE Select); coding-DNA position 2557, G replaced by A.
Protein change: p.Glu853Lys; replaces glutamic acid 853 with lysine.
Molecular consequence: missense variant.
Genome position (GRCh38, 1-based): chr12:21,852,454, C>T on the plus strand (G>A on the coding strand, the complement: ABCC9 is on the minus strand). VCF-style: chr12-21852454-C-T. GRCh37 (hg19) VCF-style: chr12-22005388-C-T.
Other names: c.2557G>A, p.Glu853Lys (NM_001377273.1, NM_005691.4); c.1690G>A, p.Glu564Lys (NM_001377274.1); c.2557G>A (NM_005691.2); short protein forms E853K, E564K.
Identifiers: ClinVar variation 450411 (VCV000450411.10), dbSNP rs1207537871, ClinGen allele CA384125640.

ClinVar aggregate classification (germline): Uncertain significance. Review status: criteria provided, multiple submitters, no conflicts (2 of 4 stars). 3 submissions from 3 submitters: Uncertain significance (3). Last evaluated 2025-04-23.

Conditions:
Dilated cardiomyopathy 1O (CMD1O). Also called: CARDIOMYOPATHY, DILATED, WITH VENTRICULAR TACHYCARDIA. Identifiers: Orphanet 154, MedGen C1837839, MONDO:0012062, OMIM 608569.
Cardiovascular phenotype. Identifiers: MedGen CN230736.

Allele frequency attached by ClinVar (database versions not stated): gnomAD exomes below 0.00001 and 0.00001.
gnomAD v4.1: 11 of 1,613,558 alleles (0.00068%); highest among the groups gnomAD compares: Non-Finnish European, 0.00093%; no homozygotes.

Submissions (3):

Ambry Genetics
Classification: Uncertain significance for Cardiovascular phenotype. Last evaluated: 2025-04-23. Review status: criteria provided, single submitter. Criteria: Ambry Variant Classification Scheme 2023. Collection method: clinical testing. Allele origin: germline.
Comment: The p.E853K variant (also known as c.2557G>A), located in coding exon 21 of the ABCC9 gene, results from a G to A substitution at nucleotide position 2557. The glutamic acid at codon 853 is replaced by lysine, an amino acid with similar properties. This amino acid position is highly conserved in available vertebrate species. In addition, this alteration is predicted to be deleterious by in silico analysis. Based on the available evidence, the clinical significance of this variant remains unclear.

Labcorp Genetics (formerly Invitae), Labcorp
Classification: Uncertain significance for Dilated cardiomyopathy 1O. Last evaluated: 2024-05-23. Review status: criteria provided, single submitter. Criteria: Invitae Variant Classification Sherloc (09022015). Collection method: clinical testing. Allele origin: germline.
Comment: This sequence change replaces glutamic acid, which is acidic and polar, with lysine, which is basic and polar, at codon 853 of the ABCC9 protein (p.Glu853Lys). This variant is present in population databases (no rsID available, gnomAD 0.0009%). This variant has not been reported in the literature in individuals affected with ABCC9-related conditions. ClinVar contains an entry for this variant (Variation ID: 450411). Advanced modeling of protein sequence and biophysical properties (such as structural, functional, and spatial information, amino acid conservation, physicochemical variation, residue mobility, and thermodynamic stability) has been performed at Invitae for this missense variant, however the output from this modeling did not meet the statistical confidence thresholds required to predict the impact of this variant on ABCC9 protein function. In summary, the available evidence is currently insufficient to determine the role of this variant in disease. Therefore, it has been classified as a Variant of Uncertain Significance.

GeneDx
Classification: Uncertain significance. Last evaluated: 2017-07-11. Review status: criteria provided, single submitter. Criteria: GeneDx Variant Classification (06012015). Collection method: clinical testing. Allele origin: germline. Affected: yes.
Comment: The E853K variant has not beenpublished as pathogenic or been reported as benign to our knowledge. Furthermore, it is not observed in largepopulation cohorts (Lek et al., 2016; 1000 Genomes Consortium et al., 2015; Exome Variant Server). The E853Kvariant is a non-conservative amino acid substitution, which is likely to impact secondary protein structure as theseresidues differ in polarity, charge, size and/or other properties. In addition, this substitution occurs at a position that isconserved across species, and in silico analysis predicts this variant is probably damaging to the proteinstructure/function. Nonetheless, this variant lacks observation in a significant number of affected individuals,segregation data, and functional evidence, which would further clarify its pathogenicity.